The following is an entry in ClinVar:

ClinVar aggregate classification (germline): Uncertain significance (1 of 4 stars; one submission).

Submission:

Labcorp Genetics (formerly Invitae), Labcorp
Classification: Uncertain significance. Last evaluated: 2023-07-22. Review status: criteria provided, single submitter. Criteria: Invitae Variant Classification Sherloc (09022015). Collection method: clinical testing. Allele origin: germline.
Comment: This sequence change creates a premature translational stop signal (p.Phe129Serfs*28) in the ITM2B gene. It is expected to result in an absent or disrupted protein product. However, the current clinical and genetic evidence is not sufficient to establish whether loss-of-function variants in ITM2B cause disease. This variant is not present in population databases (gnomAD no frequency). This variant has not been reported in the literature in individuals affected with ITM2B-related conditions. In summary, the available evidence is currently insufficient to determine the role of this variant in disease. Therefore, it has been classified as a Variant of Uncertain Significance.

NM_021999.5(ITM2B):c.386_389del (p.Phe129fs)

Gene: ITM2B (integral membrane protein 2B; plus strand). Cytogenetic location: 13q14.2.
Variant type: Deletion.
Coding change: c.386_389del on transcript NM_021999.5 (MANE Select); coding-DNA positions 386 to 389, 4 bases deleted (TTAT; older notation c.386_389delTTAT).
Protein change: p.Phe129fs; shifts the reading frame from phenylalanine 129.
Molecular consequence: frameshift variant.
Genome position (GRCh38, 1-based): chr13:48,256,316-48,256,319, TTAT deleted; deleting any 4 consecutive bases within chr13:48,256,314-48,256,319 gives the same sequence; the c. name uses the placement nearest the transcript's 3' end. VCF-style (leftmost placement, unchanged base first): chr13-48256313-AATTT-A. GRCh37 (hg19) VCF-style: chr13-48830449-AATTT-A.
Other names: short protein forms F129fs.
Identifiers: ClinVar variation 2745911 (VCV002745911.3), dbSNP rs2542057356, ClinGen allele CA2697551843.